The following is an entry in ClinVar:

ClinVar aggregate classification (germline): Likely pathogenic (1 of 4 stars; one submission).

Conditions:
Neurofibromatosis, type 1 (NF1). Also called: Neurofibromatosis, type I; Peripheral type neurofibromatosis; VON RECKLINGHAUSEN DISEASE; NEUROFIBROMATOSIS, TYPE I, SOMATIC. Identifiers: Orphanet 636, MedGen C0027831, MONDO:0018975, OMIM 162200. Disease mechanism: loss of function.

Submission:

Labcorp Genetics (formerly Invitae), Labcorp
Classification: Likely pathogenic for Neurofibromatosis, type 1. Last evaluated: 2019-08-17. Review status: criteria provided, single submitter. Criteria: Invitae Variant Classification Sherloc (09022015). Collection method: clinical testing. Allele origin: germline.
Comment: In summary, the currently available evidence indicates that the variant is pathogenic, but additional data are needed to prove that conclusively. Therefore, this variant has been classified as Likely Pathogenic. Loss-of-function variants in NF1 are known to be pathogenic (PMID: 10712197, 23913538). This variant has not been reported in the literature in individuals with NF1-related conditions. This variant results in a copy number gain of the genomic region encompassing exons 5-30 of the NF1 gene. While the exact position of this variant cannot be determined from this data, sub-genic copy number gains are generally in tandem (PMID: 25640679) and may result in an absent or disrupted protein product.

Literature cited by the submitters: PubMed 10712197; PubMed 23913538; PubMed 25640679.

NC_000017.11:g.(?_31169881)_(31249129_?)dup

Gene: NF1 (neurofibromin 1; plus strand). Cytogenetic location: 17q11.2.
Variant type: Duplication.
Identifiers: ClinVar variation 831826 (VCV000831826.3).